The following is an entry in ClinVar:

NM_000218.3(KCNQ1):c.848C>G (p.Ala283Gly)

Gene: KCNQ1 (potassium voltage-gated channel subfamily Q member 1; plus strand). Cytogenetic location: 11p15.5.
Variant type: single nucleotide variant.
Coding change: c.848C>G on transcript NM_000218.3 (MANE Select); coding-DNA position 848, C replaced by G.
Protein change: p.Ala283Gly; replaces alanine 283 with glycine.
Molecular consequence: missense variant.
Genome position (GRCh38, 1-based): chr11:2,572,913, C>G. VCF-style: chr11-2572913-C-G. GRCh37 (hg19) VCF-style: chr11-2594143-C-G.
Other names: c.848C>G (LRG_287t1); c.848C>G, p.Ala283Gly (NM_001406836.1); c.578C>G, p.Ala193Gly (NM_001406837.1); c.467C>G, p.Ala156Gly (NM_181798.2); short protein forms A283G, A156G, A193G.
Identifiers: ClinVar variation 67114 (VCV000067114.7), dbSNP rs199473463, ClinGen allele CA008478.
Genomic context (GRCh38, chr11:2,572,913, plus strand): 5'-TAACCACCCTGTACATCGGCTTCCTGGGCCTCATCTTCTCCTCGTACTTTGTGTACCTGG[C>G]TGAGAAGGACGCGGTGAACGAGTCAGGCCGCGTGGAGTTCGGCAGCTACGCAGATGCGCT-3'
Protein context (NP_000209.2, residues 273-293): LIFSSYFVYL[Ala283Gly]EKDAVNESGR

ClinVar aggregate classification (germline): Conflicting classifications of pathogenicity. Review status: criteria provided, conflicting classifications (1 of 4 stars). 3 submissions from 3 submitters: Likely pathogenic (1); Uncertain significance (1). 1 of the submissions does not count toward it. Last evaluated 2025-03-19.

Conditions:
Familial long QT syndrome (RWS). Also called: Congenital long QT syndrome; Romano-Ward syndrome; VENTRICULAR FIBRILLATION WITH PROLONGED QT INTERVAL. Identifiers: Orphanet 768, MedGen C1141890, MONDO:0019171.
Long QT syndrome (LQTS). Identifiers: MedGen C0023976, MeSH D008133, MONDO:0002442. Disease mechanism: loss of function. Inheritance: Various modes of inheritance.

Submissions (3):

Labcorp Genetics (formerly Invitae), Labcorp
Classification: Likely pathogenic for Long QT syndrome. Last evaluated: 2025-03-19. Review status: criteria provided, single submitter. Criteria: Invitae Variant Classification Sherloc (09022015). Collection method: clinical testing. Allele origin: germline.
Comment: This sequence change replaces alanine, which is neutral and non-polar, with glycine, which is neutral and non-polar, at codon 283 of the KCNQ1 protein (p.Ala283Gly). This variant is not present in population databases (gnomAD no frequency). This missense change has been observed in individual(s) with clinical features of long QT syndrome (PMID: 19716085). ClinVar contains an entry for this variant (Variation ID: 67114). Invitae Evidence Modeling of protein sequence and biophysical properties (such as structural, functional, and spatial information, amino acid conservation, physicochemical variation, residue mobility, and thermodynamic stability) indicates that this missense variant is expected to disrupt KCNQ1 protein function with a positive predictive value of 95%. This variant disrupts the p.Ala283 amino acid residue in KCNQ1. Other variant(s) that disrupt this residue have been determined to be pathogenic (internal data). This suggests that this residue is clinically significant, and that variants that disrupt this residue are likely to be disease-causing. In summary, the currently available evidence indicates that the variant is pathogenic, but additional data are needed to prove that conclusively. Therefore, this variant has been classified as Likely Pathogenic.

GeneDx
Classification: Uncertain significance. Last evaluated: 2017-08-07. Review status: criteria provided, single submitter. Criteria: GeneDx Variant Classification (06012015). Collection method: clinical testing. Allele origin: germline. Affected: yes.
Comment: The A283G variant has been reported in two individuals referred for LQTS genetic testing (Kapplinger et al., 2009). The A283G variant is not observed in large population cohorts (Lek et al., 2016; 1000 Genomes Consortium et al., 2015; Exome Variant Server). This substitution occurs at a position that is conserved across species, and in silico analysis predicts this variant is probably damaging to the protein structure/function. Nevertheless, the A283G variant is a conservative amino acid substitution, which is not likely to impact secondary protein structure as these residues share similar properties.

Cardiovascular Biomedical Research Unit, Royal Brompton & Harefield NHS Foundation Trust
No classification provided. Condition: Familial long QT syndrome. Review status: no classification provided. Collection method: literature only. Allele origin: germline. Not counted in ClinVar's aggregate classification.
Comment: This variant has been reported as associated with Long QT syndrome in the following publications (PMID:19716085). This is a literature report, and does not necessarily reflect the clinical interpretation of the Imperial College / Royal Brompton Cardiovascular Genetics laboratory.

Literature cited by the submitters: PubMed 19716085 (cited by Labcorp Genetics (formerly Invitae), Labcorp and Cardiovascular Biomedical Research Unit, Royal Brompton & Harefield NHS Foundation Trust); PubMed 22581653 (cited by Cardiovascular Biomedical Research Unit, Royal Brompton & Harefield NHS Foundation Trust).